The following is an entry in ClinVar:

ClinVar aggregate classification (germline): Uncertain significance (1 of 4 stars; one submission).

Conditions:
Brugada syndrome. Also called: Sudden unexplained nocturnal death syndrome; Sudden Unexplained Nocturnal Death Syndrome (SUNDS); Sudden Unexplained Death Syndrome; Sudden unexpected nocturnal death syndrome. Identifiers: Orphanet 130, MedGen C1142166, MONDO:0015263.

Submission:

Labcorp Genetics (formerly Invitae), Labcorp
Classification: Uncertain significance for Brugada syndrome. Last evaluated: 2017-12-31. Review status: criteria provided, single submitter. Criteria: Invitae Variant Classification Sherloc (09022015). Collection method: clinical testing. Allele origin: germline.
Comment: The current clinical and genetic evidence is not sufficient to establish whether loss-of-function variants in SLMAP cause disease. In summary, the available evidence is currently insufficient to determine the role of this variant in disease. Therefore, it has been classified as a Variant of Uncertain Significance. Algorithms developed to predict the effect of sequence changes on RNA splicing suggest that this variant may disrupt the consensus splice site, but this prediction has not been confirmed by published transcriptional studies. This variant has not been reported in the literature in individuals with SLMAP-related disease. This variant is not present in population databases (ExAC no frequency). This sequence change affects a donor splice site in intron 14 of the SLMAP gene. It is expected to disrupt RNA splicing and likely results in an absent or disrupted protein product.

NM_001377540.1(SLMAP):c.1501+1del

Gene: SLMAP (sarcolemma associated protein; plus strand). Cytogenetic location: 3p14.3.
Variant type: Deletion.
Coding change: c.1501+1del on transcript NM_001377540.1 (MANE Select); the canonical splice donor site of the intron after coding-DNA position 1501, one base deleted (G; older notation c.1501+1delG).
Molecular consequence: splice donor variant.
Genome position (GRCh38, 1-based): chr3:57,896,933, G deleted; the last of 2 consecutive G bases (chr3:57,896,932-57,896,933); deleting either gives the same sequence. VCF-style (leftmost placement, unchanged base first): chr3-57896931-AG-A. GRCh37 (hg19) VCF-style: chr3-57882658-AG-A.
Other names: c.1501+1del (NM_001377538.1, NM_001377539.1, NM_001377555.1); c.1438+1del (NM_001377545.1, NM_001377922.1); c.1450+1del (NM_001377541.1, NM_001304420.3, NM_001377562.1 and 2 more transcripts); c.1387+1del (NM_001377552.1, NM_001377551.1, NM_001377924.1); c.1399+1del (NM_001377549.1, NM_007159.5, NM_001377923.1); c.1336+1del (NM_001377559.1, NM_001377557.1, NM_001377925.1 and 1 more transcripts); c.52+1del (NM_001311178.2, NM_001304422.3, NM_001377927.1 and 4 more transcripts).
Identifiers: ClinVar variation 1015745 (VCV001015745.5), dbSNP rs1446668420, ClinGen allele CA543402833.